The following is an entry in ClinVar:

ClinVar aggregate classification (germline): Likely pathogenic (1 of 4 stars; one submission).

Conditions:
Noonan syndrome 14 (NS14). Identifiers: MedGen C5676916, MONDO:0030679, OMIM 619745.

Submission:

First Genomix Gene Laboratory, Genetic Diagnostics Department
Classification: Likely pathogenic for Noonan syndrome 14. Last evaluated: 2025-05-19. Review status: criteria provided, single submitter. Criteria: ACMG Guidelines, 2015. Collection method: clinical testing. Allele origin: germline. Inheritance: Autosomal recessive inheritance. Affected: no. Observed: 1 variant allele.

NM_181784.3(SPRED2):c.125_146dup (p.Pro49_Glu50insGlyLeuTer)

Gene: SPRED2 (sprouty related EVH1 domain containing 2; minus strand). Cytogenetic location: 2p14.
Variant type: Duplication.
Coding change: c.125_146dup on transcript NM_181784.3 (MANE Select); coding-DNA positions 125 to 146, 22 bases duplicated (GGGTCTGTAAGGTCATGCACCC).
Protein change: p.Pro49_Glu50insGlyLeuTer.
Molecular consequence: nonsense.
Genome position (GRCh38, 1-based): chr2:65,344,777-65,344,798, GGGTGCATGACCTTACAGACCC duplicated on the plus strand (GGGTCTGTAAGGTCATGCACCC on the coding strand, the reverse complement: SPRED2 is on the minus strand). VCF-style (leftmost placement, unchanged base first): chr2-65344776-G-GGGGTGCATGACCTTACAGACCC. GRCh37 (hg19) VCF-style: chr2-65571910-G-GGGGTGCATGACCTTACAGACCC.
Other names: c.116_137dup, p.Pro46_Glu47insGlyLeuTer (NM_001128210.2).
Identifiers: ClinVar variation 4849286 (VCV004849286.1).